The following is an entry in ClinVar:

NM_138295.5(PKD1L1):c.3520+2T>A

Gene: PKD1L1 (polycystin 1 like 1, transient receptor potential channel interacting; minus strand). Cytogenetic location: 7p12.3.
Variant type: single nucleotide variant.
Coding change: c.3520+2T>A on transcript NM_138295.5 (MANE Select); the canonical splice donor site of the intron after coding-DNA position 3520, T replaced by A.
Molecular consequence: splice donor variant.
Genome position (GRCh38, 1-based): chr7:47,880,726, A>T on the plus strand (T>A on the coding strand, the complement: PKD1L1 is on the minus strand). VCF-style: chr7-47880726-A-T. GRCh37 (hg19) VCF-style: chr7-47920324-A-T.
Identifiers: ClinVar variation 4881274 (VCV004881274.2).

ClinVar aggregate classification (germline): Uncertain significance (1 of 4 stars; one submission).

Submission:

Dasa
Classification: Uncertain significance. Last evaluated: 2025-01-14. Review status: criteria provided, single submitter. Criteria: DASA Assertion Criteria. Collection method: clinical testing. Allele origin: germline.
Comment: NM_138295.5(PKD1L1):c.3520+2T>A affects a canonical splice site and is predicted to disrupt normal RNA splicing. This variant is absent from population databases. The currently available literature and clinical evidence are not sufficient to establish a definitive association between this variant and the reported condition. Therefore, this variant is classified as a variant of uncertain significance.